The following is an entry in ClinVar:

ClinVar aggregate classification (germline): Likely benign (0 of 4 stars; one submission).

Conditions:
ATXN2-related disorder. Also called: ATXN2-related condition.

Allele frequency attached by ClinVar (database versions not stated): ExAC 0.00010; gnomAD exomes 0.00014 and 0.00027; gnomAD 0.00124 and 0.00128.

Submission:

PreventionGenetics, part of Exact Sciences
Classification: Likely benign for ATXN2-related condition. Last evaluated: 2019-12-19. Review status: no assertion criteria provided. Collection method: clinical testing. Allele origin: germline.
Comment: This variant is classified as likely benign based on ACMG/AMP sequence variant interpretation guidelines (Richards et al. 2015 PMID: 25741868, with internal and published modifications).

NM_001372574.1(ATXN2):c.36_40del (p.Gln13fs)

Gene: ATXN2 (ataxin 2; minus strand). Cytogenetic location: 12q24.12.
Variant type: Deletion.
Coding change: c.36_40del on transcript NM_001372574.1 (MANE Select); coding-DNA positions 36 to 40, 5 bases deleted (GCAGC; older notation c.36_40delGCAGC).
Protein change: p.Gln13fs; shifts the reading frame from glutamine 13.
Molecular consequence: frameshift variant. On other transcripts: non-coding transcript variant (1), intron variant (2).
Genome position (GRCh38, 1-based): chr12:111,598,995-111,598,999, GCTGC deleted on the plus strand (GCAGC on the coding strand, the reverse complement: ATXN2 is on the minus strand). VCF-style (leftmost placement, unchanged base first): chr12-111598994-TGCTGC-T. GRCh37 (hg19) VCF-style: chr12-112036798-TGCTGC-T.
Other names: c.36_40del, p.Gln13fs (NM_002973.4); c.-28+576_-28+580del (NM_001310123.1); c.-65+576_-65+580del (NM_001310121.1); c.516_520del5 (NM_002973.3); short protein forms Q13fs.
Identifiers: ClinVar variation 3039238 (VCV003039238.2), dbSNP rs748746739, ClinGen allele CA6790998.